The following is an entry in ClinVar:

NM_004364.5(CEBPA):c.587C>T (p.Pro196Leu)

Gene: CEBPA (CCAAT enhancer binding protein alpha; minus strand). Cytogenetic location: 19q13.11.
Variant type: single nucleotide variant.
Coding change: c.587C>T on transcript NM_004364.5 (MANE Select); coding-DNA position 587, C replaced by T.
Protein change: p.Pro196Leu; replaces proline 196 with leucine.
Molecular consequence: missense variant.
Genome position (GRCh38, 1-based): chr19:33,301,828, G>A on the plus strand (C>T on the coding strand, the complement: CEBPA is on the minus strand). VCF-style: chr19-33301828-G-A. GRCh37 (hg19) VCF-style: chr19-33792734-G-A.
Other names: c.230C>T, p.Pro77Leu (NM_001285829.2); c.692C>T, p.Pro231Leu (NM_001287424.2); c.545C>T, p.Pro182Leu (NM_001287435.2); short protein forms P231L, P77L, P182L, P196L.
Identifiers: ClinVar variation 5034274 (VCV005034274.1).
Genomic context (GRCh38, chr19:33,301,828, plus strand): 5'-GTCTGGCCGCAGTGCGCGATCTGGAACTGCAGGTGCGGGGCGGCCAGGTGCGCGGGCGGC[G>A]GGTGCGGGTGCGGGTGCGAGGGCGGCGGCGGCGGCGGCGGCTGGTAAGGGAAGAGGCCGG-3'
Protein context (NP_004355.2, residues 186-206): PPPPSHPHPH[Pro196Leu]PPAHLAAPHL

ClinVar aggregate classification (germline): Uncertain significance (1 of 4 stars; one submission).

Conditions:
Inborn genetic diseases. Identifiers: MedGen C0950123, MeSH D030342.

Submission:

Ambry Genetics
Classification: Uncertain significance for Inborn genetic diseases. Last evaluated: 2026-07-02. Review status: criteria provided, single submitter. Criteria: Ambry Variant Classification Scheme 2023. Collection method: clinical testing. Allele origin: germline.
Comment: The p.P196L variant (also known as c.587C>T), located in coding exon 1 of the CEBPA gene, results from a C to T substitution at nucleotide position 587. The proline at codon 196 is replaced by leucine, an amino acid with similar properties. This amino acid position is conserved. In addition, this alteration is predicted to be tolerated by in silico analysis. Based on the available evidence, the clinical significance of this variant remains unclear.